The following is an entry in ClinVar:

NM_138694.4(PKHD1):c.847T>A (p.Phe283Ile)

Gene: PKHD1 (PKHD1 ciliary IPT domain containing fibrocystin/polyductin; minus strand). Cytogenetic location: 6p12.2.
Variant type: single nucleotide variant.
Coding change: c.847T>A on transcript NM_138694.4 (MANE Select); coding-DNA position 847, T replaced by A.
Protein change: p.Phe283Ile; replaces phenylalanine 283 with isoleucine.
Molecular consequence: missense variant.
Genome position (GRCh38, 1-based): chr6:52,066,009, A>T on the plus strand (T>A on the coding strand, the complement: PKHD1 is on the minus strand). VCF-style: chr6-52066009-A-T. GRCh37 (hg19) VCF-style: chr6-51930807-A-T.
Other names: c.847T>A, p.Phe283Ile (NM_170724.3); short protein forms F283I.
Identifiers: ClinVar variation 2767747 (VCV002767747.3), dbSNP rs375145340, ClinGen allele CA364430981.

ClinVar aggregate classification (germline): Likely pathogenic (1 of 4 stars; one submission).

Conditions:
Autosomal recessive polycystic kidney disease (ARPKD). Also called: AR polycystic kidney disease. Identifiers: Orphanet 731, Orphanet 8378, MedGen C0085548, MeSH D017044, MONDO:0009889.

Submission:

Labcorp Genetics (formerly Invitae), Labcorp
Classification: Likely pathogenic for Autosomal recessive polycystic kidney disease. Last evaluated: 2023-12-12. Review status: criteria provided, single submitter. Criteria: Invitae Variant Classification Sherloc (09022015). Collection method: clinical testing. Allele origin: germline.
Comment: This sequence change replaces phenylalanine, which is neutral and non-polar, with isoleucine, which is neutral and non-polar, at codon 283 of the PKHD1 protein (p.Phe283Ile). This variant is not present in population databases (gnomAD no frequency). This variant has not been reported in the literature in individuals affected with PKHD1-related conditions. Advanced modeling of protein sequence and biophysical properties (such as structural, functional, and spatial information, amino acid conservation, physicochemical variation, residue mobility, and thermodynamic stability) performed at Invitae indicates that this missense variant is expected to disrupt PKHD1 protein function with a positive predictive value of 95%. This variant disrupts the p.Phe283 amino acid residue in PKHD1. Other variant(s) that disrupt this residue have been determined to be pathogenic (PMID: 29095814, 33123899). This suggests that this residue is clinically significant, and that variants that disrupt this residue are likely to be disease-causing. In summary, the currently available evidence indicates that the variant is pathogenic, but additional data are needed to prove that conclusively. Therefore, this variant has been classified as Likely Pathogenic.

Literature cited by the submitters: PubMed 29095814; PubMed 33123899.